The following is an entry in ClinVar:

ClinVar aggregate classification (germline): Uncertain significance (1 of 4 stars; one submission).

gnomAD v4.1: 1 of 1,612,760 alleles (0.000062%); highest among the groups gnomAD compares: Non-Finnish European, 0.000085%; no homozygotes.

Submission:

Ambry Genetics
Classification: Uncertain significance. Last evaluated: 2025-11-02. Review status: criteria provided, single submitter. Criteria: Ambry Variant Classification Scheme 2023. Collection method: clinical testing. Allele origin: germline.
Comment: The p.R600L variant (also known as c.1799G>T), located in coding exon 1 of the MLH3 gene, results from a G to T substitution at nucleotide position 1799. The arginine at codon 600 is replaced by leucine, an amino acid with dissimilar properties. This amino acid position is conserved. In addition, this alteration is predicted to be tolerated by in silico analysis. Based on the available evidence, the clinical significance of this variant remains unclear.

NM_001040108.2(MLH3):c.1799G>T (p.Arg600Leu)

Gene: MLH3 (mutL homolog 3; minus strand). Cytogenetic location: 14q24.3.
Variant type: single nucleotide variant.
Coding change: c.1799G>T on transcript NM_001040108.2 (MANE Select); coding-DNA position 1799, G replaced by T.
Protein change: p.Arg600Leu; replaces arginine 600 with leucine.
Molecular consequence: missense variant.
Genome position (GRCh38, 1-based): chr14:75,047,857, C>A on the plus strand (G>T on the coding strand, the complement: MLH3 is on the minus strand). VCF-style: chr14-75047857-C-A. GRCh37 (hg19) VCF-style: chr14-75514560-C-A.
Other names: c.1799G>T, p.Arg600Leu (NM_014381.3); short protein forms R600L.
Identifiers: ClinVar variation 4552112 (VCV004552112.1).